The following is an entry in ClinVar:

NM_000465.4(BARD1):c.1331_1333del (p.Val444del)

Gene: BARD1 (BRCA1 associated RING domain 1; minus strand). Cytogenetic location: 2q35.
Variant type: Deletion.
Coding change: c.1331_1333del on transcript NM_000465.4 (MANE Select); coding-DNA positions 1331 to 1333, 3 bases deleted (TTG; older notation c.1331_1333delTTG).
Protein change: p.Val444del; deletes valine 444.
Molecular consequence: inframe deletion. On other transcripts: non-coding transcript variant (3), intron variant (3).
Genome position (GRCh38, 1-based): chr2:214,769,294-214,769,296, CAA deleted on the plus strand (TTG on the coding strand, the reverse complement: BARD1 is on the minus strand); deleting any 3 consecutive bases within chr2:214,769,294-214,769,298 gives the same sequence; the c. name uses the placement nearest the transcript's 3' end. VCF-style (leftmost placement, unchanged base first): chr2-214769293-TCAA-T. GRCh37 (hg19) VCF-style: chr2-215634017-TCAA-T.
Other names: c.1274_1276del, p.Val425del (NM_001282543.2); c.159-16741_159-16739del (NM_001282548.2); c.216-16741_216-16739del (NM_001282545.2); c.364+23001_364+23003del (NM_001282549.2); short protein forms V444del, V425del.
Identifiers: ClinVar variation 530089 (VCV000530089.9), dbSNP rs1553619748, ClinGen allele CA658796154.

ClinVar aggregate classification (germline): Uncertain significance (1 of 4 stars; one submission).

Conditions:
Familial cancer of breast. Also called: BREAST CANCER, FAMILIAL; Hereditary breast cancer; hereditary breast carcinoma. Identifiers: Orphanet 227535, MedGen C0346153, MONDO:0016419, OMIM 114480. Disease mechanism: loss of function.

Submission:

Labcorp Genetics (formerly Invitae), Labcorp
Classification: Uncertain significance for Familial cancer of breast. Last evaluated: 2022-08-26. Review status: criteria provided, single submitter. Criteria: Invitae Variant Classification Sherloc (09022015). Collection method: clinical testing. Allele origin: germline.
Comment: This variant has not been reported in the literature in individuals affected with BARD1-related conditions. This variant is not present in population databases (gnomAD no frequency). This variant, c.1331_1333del, results in the deletion of 1 amino acid(s) of the BARD1 protein (p.Val444del), but otherwise preserves the integrity of the reading frame. ClinVar contains an entry for this variant (Variation ID: 530089). In summary, the available evidence is currently insufficient to determine the role of this variant in disease. Therefore, it has been classified as a Variant of Uncertain Significance. Experimental studies and prediction algorithms are not available or were not evaluated, and the functional significance of this variant is currently unknown.